The following is an entry in ClinVar:

ClinVar aggregate classification (germline): Uncertain significance (1 of 4 stars; one submission).

Conditions:
Left ventricular noncompaction 8 (LVNC8). Identifiers: Orphanet 154, Orphanet 54260, MedGen C3809288, MONDO:0014152, OMIM 615373.

gnomAD v4.1: 18 of 1,609,848 alleles (0.0011%); highest among the groups gnomAD compares: South Asian, 0.018%; no homozygotes.

Submission:

Labcorp Genetics (formerly Invitae), Labcorp
Classification: Uncertain significance for Left ventricular noncompaction 8. Last evaluated: 2025-02-23. Review status: criteria provided, single submitter. Criteria: Invitae Variant Classification Sherloc (09022015). Collection method: clinical testing. Allele origin: germline.
Comment: This sequence change replaces lysine, which is basic and polar, with arginine, which is basic and polar, at codon 790 of the PRDM16 protein (p.Lys790Arg). This variant is present in population databases (rs772822432, gnomAD 0.01%). This variant has not been reported in the literature in individuals affected with PRDM16-related conditions. An algorithm developed to predict the effect of missense changes on protein structure and function outputs the following: PolyPhen-2: "Benign". The arginine amino acid residue is found in multiple mammalian species, which suggests that this missense change does not adversely affect protein function. In summary, the available evidence is currently insufficient to determine the role of this variant in disease. Therefore, it has been classified as a Variant of Uncertain Significance.

NM_022114.4(PRDM16):c.2369A>G (p.Lys790Arg)

Gene: PRDM16 (PR/SET domain 16; plus strand). Cytogenetic location: 1p36.32.
Variant type: single nucleotide variant.
Coding change: c.2369A>G on transcript NM_022114.4 (MANE Select); coding-DNA position 2369, A replaced by G.
Protein change: p.Lys790Arg; replaces lysine 790 with arginine.
Molecular consequence: missense variant.
Genome position (GRCh38, 1-based): chr1:3,412,566, A>G. VCF-style: chr1-3412566-A-G. GRCh37 (hg19) VCF-style: chr1-3329130-A-G.
Other names: c.2369A>G, p.Lys790Arg (NM_199454.3); short protein forms K790R.
Identifiers: ClinVar variation 4737565 (VCV004737565.1).